The following is an entry in ClinVar:

ClinVar aggregate classification (germline): Uncertain significance (1 of 4 stars; one submission).

Conditions:
Long QT syndrome (LQTS). Identifiers: MedGen C0023976, MeSH D008133, MONDO:0002442. Disease mechanism: loss of function. Inheritance: Various modes of inheritance.

Allele frequency attached by ClinVar (database versions not stated): gnomAD exomes 0.00001; gnomAD 0.00002.
gnomAD v4.1: 18 of 1,613,984 alleles (0.0011%); highest among the groups gnomAD compares: South Asian, 0.019%; no homozygotes.

Submission:

Labcorp Genetics (formerly Invitae), Labcorp
Classification: Uncertain significance for Long QT syndrome. Last evaluated: 2024-12-12. Review status: criteria provided, single submitter. Criteria: Invitae Variant Classification Sherloc (09022015). Collection method: clinical testing. Allele origin: germline.
Comment: This sequence change replaces lysine, which is basic and polar, with isoleucine, which is neutral and non-polar, at codon 2732 of the ANK2 protein (p.Lys2732Ile). This variant is present in population databases (no rsID available, gnomAD 0.003%). This variant has not been reported in the literature in individuals affected with ANK2-related conditions. ClinVar contains an entry for this variant (Variation ID: 2158210). An algorithm developed to predict the effect of missense changes on protein structure and function (PolyPhen-2) suggests that this variant is likely to be tolerated. In summary, the available evidence is currently insufficient to determine the role of this variant in disease. Therefore, it has been classified as a Variant of Uncertain Significance.

NM_001148.6(ANK2):c.8195A>T (p.Lys2732Ile)

Gene: ANK2 (ankyrin 2; plus strand). Cytogenetic location: 4q26.
Variant type: single nucleotide variant.
Coding change: c.8195A>T on transcript NM_001148.6 (MANE Select); coding-DNA position 8195, A replaced by T.
Protein change: p.Lys2732Ile; replaces lysine 2732 with isoleucine.
Molecular consequence: missense variant. On other transcripts: intron variant (68).
Genome position (GRCh38, 1-based): chr4:113,356,813, A>T. VCF-style: chr4-113356813-A-T. GRCh37 (hg19) VCF-style: chr4-114277969-A-T.
Other names: c.7961A>T, p.Lys2654Ile (NM_001386142.1); c.4595A>T, p.Lys1532Ile (NM_001386166.1); c.8336A>T, p.Lys2779Ile (NM_001386174.1); c.8312A>T, p.Lys2771Ile (NM_001386175.1); c.4412-4010A>T (NM_001386186.2, NM_001386148.2); c.4214-4010A>T (NM_001354269.3); c.4292-4010A>T (NM_001386187.2); c.4253-4010A>T (NM_001386147.1); and 35 more; short protein forms K1532I, K2779I, K2654I, K2732I, K2771I.
Identifiers: ClinVar variation 2158210 (VCV002158210.4), dbSNP rs1240083703, ClinGen allele CA357933398.